The following is an entry in ClinVar:

NM_005411.5(SFTPA1):c.420C>T (p.Ser140=)

Gene: SFTPA1 (surfactant protein A1; plus strand). Cytogenetic location: 10q22.3.
Variant type: single nucleotide variant.
Coding change: c.420C>T on transcript NM_005411.5 (MANE Select); coding-DNA position 420, C replaced by T.
Protein change: p.Ser140=; no amino-acid change (serine 140 retained).
Molecular consequence: synonymous variant.
Genome position (GRCh38, 1-based): chr10:79,613,786, C>T. VCF-style: chr10-79613786-C-T. GRCh37 (hg19) VCF-style: chr10-81373542-C-T.
Other names: c.465C>T, p.Ser155= (NM_001093770.3); c.420C>T, p.Ser140= (NM_001164644.2, NM_001164647.1); c.318C>T, p.Ser106= (NM_001164645.2); c.273C>T, p.Ser91= (NM_001164646.2).
Identifiers: ClinVar variation 770965 (VCV000770965.6), dbSNP rs3997777, ClinGen allele CA5574538.
Genomic context (GRCh38, chr10:79,613,786, plus strand): 5'-TCTGCTCTCAGCCCTCAGTCTGCAGGGCTCCATAATGACAGTAGGAGAGAAGGTCTTCTC[C>T]AGCAATGGGCAGTCCATCACTTTTGATGCCATTCAGGAGGCATGTGCCAGAGCAGGCGGC-3'
Protein context (NP_005402.3, residues 130-150): SIMTVGEKVF[Ser140=]SNGQSITFDA

ClinVar aggregate classification (germline): Benign/Likely benign. Review status: criteria provided, multiple submitters, no conflicts (2 of 4 stars). 4 submissions from 4 submitters: Benign (1); Likely benign (3). Last evaluated 2024-11-27.

Conditions:
SFTPA1-related disorder. Also called: SFTPA1-related condition.

Allele frequency attached by ClinVar (database versions not stated): 1000 Genomes Project 30x 0.00187; gnomAD 0.00508 and 0.00554; ExAC 0.20873.

Submissions (4):

Blueprint Genetics
Classification: Likely benign. Last evaluated: 2024-11-27. Review status: criteria provided, single submitter. Criteria: ACMG Guidelines, 2015. Collection method: clinical testing. Allele origin: germline.

PreventionGenetics, part of Exact Sciences
Classification: Benign for SFTPA1-related condition. Last evaluated: 2024-11-18. Review status: criteria provided, single submitter. Criteria: ACMG Guidelines, 2015. Collection method: clinical testing. Allele origin: germline.
Comment: This variant is classified as benign based on ACMG/AMP sequence variant interpretation guidelines (Richards et al. 2015 PMID: 25741868, with internal and published modifications).

Labcorp Genetics (formerly Invitae), Labcorp
Classification: Likely benign. Last evaluated: 2018-06-21. Review status: criteria provided, single submitter. Criteria: Invitae Variant Classification Sherloc (09022015). Collection method: clinical testing. Allele origin: germline.

Breakthrough Genomics
Classification: Likely benign. Review status: criteria provided, single submitter. Criteria: ACMG Guidelines, 2015. Collection method: not provided. Allele origin: germline. Inheritance: Autosomal dominant inheritance. Affected: yes.